The following is an entry in ClinVar:

NM_001378120.1(MBD5):c.2127T>G (p.Ser709Arg)

Gene: MBD5 (methyl-CpG binding domain protein 5; plus strand). Cytogenetic location: 2q23.1.
Variant type: single nucleotide variant.
Coding change: c.2127T>G on transcript NM_001378120.1 (MANE Select); coding-DNA position 2127, T replaced by G.
Protein change: p.Ser709Arg; replaces serine 709 with arginine.
Molecular consequence: missense variant.
Genome position (GRCh38, 1-based): chr2:148,470,070, T>G. VCF-style: chr2-148470070-T-G. GRCh37 (hg19) VCF-style: chr2-149227639-T-G.
Other names: c.2127T>G, p.Ser709Arg (NM_018328.5); short protein forms S709R.
Identifiers: ClinVar variation 1356280 (VCV001356280.7), dbSNP rs763873615, ClinGen allele CA348721176.

ClinVar aggregate classification (germline): Uncertain significance. Review status: criteria provided, multiple submitters, no conflicts (2 of 4 stars). 2 submissions from 2 submitters: Uncertain significance (2). Last evaluated 2024-08-29.

Conditions:
Intellectual developmental disorder, autosomal dominant 1. Also called: Intellectual disability, autosomal dominant 1; MBD5 Haploinsufficiency. Identifiers: Orphanet 228402, MedGen C1969562, MONDO:0007974, OMIM 156200.

Submissions (2):

ARUP Laboratories, Molecular Genetics and Genomics, ARUP Laboratories
Classification: Uncertain significance for Intellectual developmental disorder, autosomal dominant 1. Last evaluated: 2024-08-29. Review status: criteria provided, single submitter. Criteria: ARUP Molecular Germline Variant Investigation Process 2024. Collection method: clinical testing. Allele origin: germline.

Labcorp Genetics (formerly Invitae), Labcorp
Classification: Uncertain significance for Intellectual developmental disorder, autosomal dominant 1. Last evaluated: 2024-01-10. Review status: criteria provided, single submitter. Criteria: Invitae Variant Classification Sherloc (09022015). Collection method: clinical testing. Allele origin: germline.
Comment: This sequence change replaces serine, which is neutral and polar, with arginine, which is basic and polar, at codon 709 of the MBD5 protein (p.Ser709Arg). This variant is not present in population databases (gnomAD no frequency). This variant has not been reported in the literature in individuals affected with MBD5-related conditions. ClinVar contains an entry for this variant (Variation ID: 1356280). Advanced modeling of protein sequence and biophysical properties (such as structural, functional, and spatial information, amino acid conservation, physicochemical variation, residue mobility, and thermodynamic stability) has been performed at Invitae for this missense variant, however the output from this modeling did not meet the statistical confidence thresholds required to predict the impact of this variant on MBD5 protein function. In summary, the available evidence is currently insufficient to determine the role of this variant in disease. Therefore, it has been classified as a Variant of Uncertain Significance.